The following is an entry in ClinVar:

NM_001134673.4(NFIA):c.832C>G (p.Leu278Val)

Gene: NFIA (nuclear factor I A; plus strand). Cytogenetic location: 1p31.3.
Variant type: single nucleotide variant.
Coding change: c.832C>G on transcript NM_001134673.4 (MANE Select); coding-DNA position 832, C replaced by G.
Protein change: p.Leu278Val; replaces leucine 278 with valine.
Molecular consequence: missense variant.
Genome position (GRCh38, 1-based): chr1:61,359,160, C>G. VCF-style: chr1-61359160-C-G. GRCh37 (hg19) VCF-style: chr1-61824832-C-G.
Other names: c.808C>G, p.Leu270Val (NM_001145511.2); c.967C>G, p.Leu323Val (NM_001145512.2); c.832C>G, p.Leu278Val (NM_005595.5); short protein forms L278V, L323V, L270V.
Identifiers: ClinVar variation 2692732 (VCV002692732.3), dbSNP rs2525136849, ClinGen allele CA340588028.

ClinVar aggregate classification (germline): Uncertain significance (1 of 4 stars; one submission).

Submission:

Labcorp Genetics (formerly Invitae), Labcorp
Classification: Uncertain significance. Last evaluated: 2024-02-05. Review status: criteria provided, single submitter. Criteria: Invitae Variant Classification Sherloc (09022015). Collection method: clinical testing. Allele origin: germline.
Comment: This sequence change replaces leucine, which is neutral and non-polar, with valine, which is neutral and non-polar, at codon 278 of the NFIA protein (p.Leu278Val). This variant is not present in population databases (gnomAD no frequency). This variant has not been reported in the literature in individuals affected with NFIA-related conditions. An algorithm developed to predict the effect of missense changes on protein structure and function (PolyPhen-2) suggests that this variant is likely to be tolerated. In summary, the available evidence is currently insufficient to determine the role of this variant in disease. Therefore, it has been classified as a Variant of Uncertain Significance.